The following is an entry in ClinVar:

ClinVar aggregate classification (germline): Likely benign. Review status: criteria provided, single submitter (1 of 4 stars). 2 submissions from 1 submitter: Likely benign (2). Last evaluated 2018-01-13.

Conditions:
Muscular dystrophy-dystroglycanopathy (congenital with brain and eye anomalies), type A6. Also called: MUSCULAR DYSTROPHY-DYSTROGLYCANOPATHY (CONGENITAL WITH BRAIN AND EYE ANOMALIES), TYPE A, 6; WALKER-WARBURG SYNDROME OR MUSCLE-EYE-BRAIN DISEASE, LARGE-RELATED. Identifiers: Orphanet 588, Orphanet 899, MedGen C3150414, MONDO:0013158, OMIM 613154.
Muscular dystrophy-dystroglycanopathy type B6 (MDDGB6). Also called: MUSCULAR DYSTROPHY, CONGENITAL, LARGE-RELATED; MUSCULAR DYSTROPHY, CONGENITAL, TYPE 1D; MUSCULAR DYSTROPHY-DYSTROGLYCANOPATHY (CONGENITAL WITH IMPAIRED INTELLECTUAL DEVELOPMENT), TYPE B, 6. Identifiers: MedGen C1837229, MONDO:0012138, OMIM 608840.

Allele frequency attached by ClinVar (database versions not stated): gnomAD exomes 0.00092; 1000 Genomes Project 0.00519; 1000 Genomes Project 30x 0.00531; gnomAD 0.00539 and 0.00578; TOPMed 0.00562.
gnomAD v4.1: 1,042 of 389,310 alleles (0.27%); highest among the groups gnomAD compares: African/African-American, 1.8%; 12 homozygotes.

Submissions (2):

Illumina Laboratory Services, Illumina
Classification: Likely benign for Muscular dystrophy-dystroglycanopathy (congenital with brain and eye anomalies), type A6. Last evaluated: 2018-01-13. Review status: criteria provided, single submitter. Criteria: ICSL Variant Classification Criteria 13 December 2019. Collection method: clinical testing. Allele origin: germline.
Comment: This variant was observed in the ICSL laboratory as part of a predisposition screen in an ostensibly healthy population. It had not been previously curated by ICSL or reported in the Human Gene Mutation Database (HGMD: prior to June 1st, 2018), and was therefore a candidate for classification through an automated scoring system. Utilizing variant allele frequency, disease prevalence and penetrance estimates, and inheritance mode, an automated score was calculated to assess if this variant is too frequent to cause the disease. Based on the score and internal cut-off values, a variant classified as likely benign is not then subjected to further curation. The score for this variant resulted in a classification of likely benign for this disease.

Illumina Laboratory Services, Illumina
Classification: Likely benign for Muscular dystrophy-dystroglycanopathy type B6. Last evaluated: 2018-01-13. Review status: criteria provided, single submitter. Criteria: ICSL Variant Classification Criteria 13 December 2019. Collection method: clinical testing. Allele origin: germline.
Comment: the same text as in the submission from Illumina Laboratory Services, Illumina above.

NM_133642.5(LARGE1):c.*1235A>G

Gene: LARGE1 (LARGE xylosyl- and glucuronyltransferase 1; minus strand). Cytogenetic location: 22q12.3.
Variant type: single nucleotide variant.
Coding change: c.*1235A>G on transcript NM_133642.5 (MANE Select); 1235 bases downstream of the stop codon, A replaced by G.
Molecular consequence: 3 prime UTR variant.
Genome position (GRCh38, 1-based): chr22:33,273,192, T>C on the plus strand (A>G on the coding strand, the complement: LARGE1 is on the minus strand). VCF-style: chr22-33273192-T-C. GRCh37 (hg19) VCF-style: chr22-33669178-T-C.
Other names: c.*1235A>G (NM_001362949.2, NM_001362951.2, NM_001362953.2 and 9 more transcripts).
Identifiers: ClinVar variation 341411 (VCV000341411.5), dbSNP rs1801820, ClinGen allele CA10651201.